The following is an entry in ClinVar:

NM_001100.4(ACTA1):c.991-2A>G

Gene: ACTA1 (actin alpha 1, skeletal muscle; minus strand). Cytogenetic location: 1q42.13.
Variant type: single nucleotide variant.
Coding change: c.991-2A>G on transcript NM_001100.4 (MANE Select); the canonical splice acceptor site of the intron before coding-DNA position 991, A replaced by G.
Molecular consequence: splice acceptor variant.
Genome position (GRCh38, 1-based): chr1:229,431,644, T>C on the plus strand (A>G on the coding strand, the complement: ACTA1 is on the minus strand). VCF-style: chr1-229431644-T-C. GRCh37 (hg19) VCF-style: chr1-229567391-T-C.
Identifiers: ClinVar variation 3693221 (VCV003693221.2).

ClinVar aggregate classification (germline): Uncertain significance (1 of 4 stars; one submission).

Conditions:
Actin accumulation myopathy (CMYO2A). Also called: CONGENITAL MYOPATHY 2A, TYPICAL, AUTOSOMAL DOMINANT; Nemaline myopathy 3, with intranuclear rods; Myopathy, actin, congenital, with cores; Nemaline myopathy type 3; Myopathy, actin, congenital, with excess of thin myofilaments. Identifiers: Orphanet 98904, MedGen C3711389, MONDO:0008070, OMIM 161800.

Submission:

Labcorp Genetics (formerly Invitae), Labcorp
Classification: Uncertain significance for Actin accumulation myopathy. Last evaluated: 2024-12-10. Review status: criteria provided, single submitter. Criteria: Invitae Variant Classification Sherloc (09022015). Collection method: clinical testing. Allele origin: germline.
Comment: This sequence change affects an acceptor splice site in intron 6 of the ACTA1 gene. While this variant is not anticipated to result in nonsense mediated decay, it likely alters RNA splicing and results in a disrupted protein product. This variant is not present in population databases (gnomAD no frequency). This variant has not been reported in the literature in individuals affected with ACTA1-related conditions. Variants that disrupt the consensus splice site are a relatively common cause of aberrant splicing (PMID: 17576681, 9536098). Algorithms developed to predict the effect of sequence changes on RNA splicing suggest that this variant may disrupt the consensus splice site. In summary, the available evidence is currently insufficient to determine the role of this variant in disease. Therefore, it has been classified as a Variant of Uncertain Significance.

Literature cited by the submitters: PubMed 17576681; PubMed 9536098.